The following is an entry in ClinVar:

ClinVar aggregate classification (germline): Uncertain significance. Review status: criteria provided, multiple submitters, no conflicts (2 of 4 stars). 2 submissions from 2 submitters: Uncertain significance (2). Last evaluated 2022-10-06.

Allele frequency attached by ClinVar (database versions not stated): gnomAD 0.00009 and 0.00011; TOPMed 0.00011; ExAC 0.00017; 1000 Genomes Project 30x 0.00031; 1000 Genomes Project 0.00040.
gnomAD v4.1: 203 of 1,613,964 alleles (0.013%); highest among the groups gnomAD compares: South Asian, 0.078%; no homozygotes.

Submissions (2):

Labcorp Genetics (formerly Invitae), Labcorp
Classification: Uncertain significance. Last evaluated: 2022-10-06. Review status: criteria provided, single submitter. Criteria: Invitae Variant Classification Sherloc (09022015). Collection method: clinical testing. Allele origin: germline.
Comment: This sequence change replaces glutamic acid, which is acidic and polar, with lysine, which is basic and polar, at codon 925 of the ADAMTSL4 protein (p.Glu925Lys). This variant is present in population databases (rs202208107, gnomAD 0.08%). This variant has not been reported in the literature in individuals affected with ADAMTSL4-related conditions. ClinVar contains an entry for this variant (Variation ID: 1506877). Advanced modeling of protein sequence and biophysical properties (such as structural, functional, and spatial information, amino acid conservation, physicochemical variation, residue mobility, and thermodynamic stability) performed at Invitae indicates that this missense variant is not expected to disrupt ADAMTSL4 protein function. In summary, the available evidence is currently insufficient to determine the role of this variant in disease. Therefore, it has been classified as a Variant of Uncertain Significance.

Breakthrough Genomics
Classification: Uncertain significance. Review status: criteria provided, single submitter. Criteria: ACMG Guidelines, 2015. Collection method: not provided. Allele origin: germline. Inheritance: Autosomal recessive inheritance. Affected: yes.

NM_019032.6(ADAMTSL4):c.2773G>A (p.Glu925Lys)

Gene: ADAMTSL4 (ADAMTS like 4; plus strand). Cytogenetic location: 1q21.2.
Variant type: single nucleotide variant.
Coding change: c.2773G>A on transcript NM_019032.6 (MANE Select); coding-DNA position 2773, G replaced by A.
Protein change: p.Glu925Lys; replaces glutamic acid 925 with lysine.
Molecular consequence: missense variant.
Genome position (GRCh38, 1-based): chr1:150,559,296, G>A. VCF-style: chr1-150559296-G-A. GRCh37 (hg19) VCF-style: chr1-150531772-G-A.
Other names: c.2656G>A, p.Glu886Lys (NM_001288607.2); c.2842G>A, p.Glu948Lys (NM_001288608.2); c.2773G>A, p.Glu925Lys (NM_001378596.1); short protein forms E925K, E886K, E948K.
Identifiers: ClinVar variation 1506877 (VCV001506877.4), dbSNP rs202208107, ClinGen allele CA1078847.